The following is an entry in ClinVar:

ClinVar aggregate classification (germline): Uncertain significance. Review status: criteria provided, multiple submitters, no conflicts (2 of 4 stars). 2 submissions from 2 submitters: Uncertain significance (2). Last evaluated 2024-12-10.

Conditions:
Inborn genetic diseases. Identifiers: MedGen C0950123, MeSH D030342.

Submissions (2):

GeneDx
Classification: Uncertain significance. Last evaluated: 2024-12-10. Review status: criteria provided, single submitter. Criteria: GeneDx Variant Classification Process June 2021. Collection method: clinical testing. Allele origin: germline. Affected: yes.
Comment: Initiation codon variant in a gene for which loss of function is a known mechanism of disease, however an alternative Methionine exists downstream; Not observed at significant frequency in large population cohorts (gnomAD); Has not been previously published as pathogenic or benign to our knowledge

Ambry Genetics
Classification: Uncertain significance for Inborn genetic diseases. Last evaluated: 2022-07-22. Review status: criteria provided, single submitter. Criteria: Ambry Variant Classification Scheme 2023. Collection method: clinical testing. Allele origin: germline.
Comment: The p.M1? variant (also known as c.2T>A) is located in coding exon 1 of the PRDM12 gene and results from a T to A substitution at nucleotide position 2. This alters the methionine residue at the initiation codon (ATG). Variations that modify the initiation codon (ATG) are expected to result in either loss of translation initiation, N-terminal truncation, or cause a shift in the mRNA reading frame; however, there is an in-frame methionine one amino acid from the initiation site, which may result in N-terminal truncation of unknown functional significance. Since supporting evidence is limited at this time, the clinical significance of this alteration remains unclear.

NM_021619.3(PRDM12):c.2T>A (p.Met1Lys)

Gene: PRDM12 (PR/SET domain 12; plus strand). Cytogenetic location: 9q34.12.
Variant type: single nucleotide variant.
Coding change: c.2T>A on transcript NM_021619.3 (MANE Select); coding-DNA position 2, T replaced by A.
Protein change: p.Met1Lys; changes the start codon (methionine 1).
Molecular consequence: missense variant, initiator codon variant.
Genome position (GRCh38, 1-based): chr9:130,664,655, T>A. VCF-style: chr9-130664655-T-A. GRCh37 (hg19) VCF-style: chr9-133540042-T-A.
Other names: short protein forms M1K.
Identifiers: ClinVar variation 1798668 (VCV001798668.4), dbSNP rs756311654, ClinGen allele CA375245375.